The following is an entry in ClinVar:

ClinVar aggregate classification (germline): Uncertain significance. Review status: criteria provided, multiple submitters, no conflicts (2 of 4 stars). 4 submissions from 4 submitters: Uncertain significance (4). Last evaluated 2025-08-25.

Allele frequency attached by ClinVar (database versions not stated): TOPMed below 0.00001; gnomAD 0.00001.
gnomAD v4.1: 1 of 1,613,346 alleles (0.000062%); highest among the groups gnomAD compares: African/African-American, 0.0013%; no homozygotes.

Submissions (4):

Women's Health and Genetics/Laboratory Corporation of America, LabCorp
Classification: Uncertain significance. Last evaluated: 2025-08-25. Review status: criteria provided, single submitter. Criteria: LabCorp Variant Classification Summary - May 2015. Collection method: clinical testing. Allele origin: germline.
Comment: Variant summary: VWF c.5483G>T (p.Gly1828Val) results in a non-conservative amino acid change located in the von Willebrand factor, type A domain (IPR002035) of the encoded protein sequence. Algorithms developed to predict the effect of missense changes on protein structure and function all suggest that this variant is likely to be disruptive. The variant allele was found at a frequency of 4e-06 in 251232 control chromosomes. c.5483G>T has been observed in individual(s) affected with Von Willebrand Disease (Christopherson_2022). These data indicate that the variant may be associated with disease. To our knowledge, no experimental evidence demonstrating an impact on protein function has been reported. The following publication has been ascertained in the context of this evaluation (PMID: 35343054). ClinVar contains an entry for this variant (Variation ID: 2682121). Based on the evidence outlined above, the variant was classified as VUS-possibly pathogenic.

Quest Diagnostics Nichols Institute San Juan Capistrano
Classification: Uncertain significance. Last evaluated: 2025-07-21. Review status: criteria provided, single submitter. Criteria: Quest Diagnostics criteria. Collection method: clinical testing. Allele origin: unknown.
Comment: The VWF c.5483G>T (p.Gly1828Val) variant has been reported in an individual with type 3 von Willebrand disease in the published literature (VWD) (PMID: 35343054 (2022)). The frequency of this variant in the general population (Genome Aggregation Database) is uninformative in the assessment of its pathogenicity. Analysis of this variant using bioinformatics tools for the prediction of the effect of amino acid changes on protein structure and function yielded predictions that this variant is damaging. Additional analysis using software algorithms for the prediction of the effect of nucleotide changes on VWF mRNA splicing yielded predictions that this variant may result in the gain of a cryptic splice site without affecting the natural splice sites. Based on the available information, we are unable to determine the clinical significance of this variant.

GeneDx
Classification: Uncertain significance. Last evaluated: 2025-02-05. Review status: criteria provided, single submitter. Criteria: GeneDx Variant Classification Process June 2021. Collection method: clinical testing. Allele origin: germline. Affected: yes.
Comment: Not observed at significant frequency in large population cohorts (gnomAD); In silico analysis supports that this missense variant has a deleterious effect on protein structure/function; In silico analysis supports a deleterious effect on splicing; This variant is associated with the following publications: (PMID: 35343054)

Mayo Clinic Laboratories, Mayo Clinic
Classification: Uncertain significance. Last evaluated: 2023-11-27. Review status: criteria provided, single submitter. Criteria: ACMG Guidelines, 2015. Collection method: clinical testing. Allele origin: germline. Observed: 1 variant allele.
Comment: PP3, PM1_supporting, PM2_moderate

Literature cited by the submitters: PubMed 35343054 (cited by 3 submitters).

NM_000552.5(VWF):c.5483G>T (p.Gly1828Val)

Gene: VWF (von Willebrand factor; minus strand). Cytogenetic location: 12p13.31.
Variant type: single nucleotide variant.
Coding change: c.5483G>T on transcript NM_000552.5 (MANE Select); coding-DNA position 5483, G replaced by T.
Protein change: p.Gly1828Val; replaces glycine 1828 with valine.
Molecular consequence: missense variant.
Genome position (GRCh38, 1-based): chr12:6,013,618, C>A on the plus strand (G>T on the coding strand, the complement: VWF is on the minus strand). VCF-style: chr12-6013618-C-A. GRCh37 (hg19) VCF-style: chr12-6122784-C-A.
Other names: p.Gly1828Val; c.5483G>T (NM_000552.3); short protein forms G1828V.
Identifiers: ClinVar variation 2682121 (VCV002682121.6), dbSNP rs1299445904, ClinGen allele CA383493858.